The following is an entry in ClinVar:

NM_016239.4(MYO15A):c.887del (p.Gly296fs)

Gene: MYO15A (myosin XVA; plus strand). Cytogenetic location: 17p11.2.
Variant type: Deletion.
Coding change: c.887del on transcript NM_016239.4 (MANE Select); coding-DNA position 887, one base deleted (G; older notation c.887delG).
Protein change: p.Gly296fs; shifts the reading frame from glycine 296.
Molecular consequence: frameshift variant.
Genome position (GRCh38, 1-based): chr17:18,119,687, G deleted; the last of 2 consecutive G bases (chr17:18,119,686-18,119,687); deleting either gives the same sequence. VCF-style (leftmost placement, unchanged base first): chr17-18119685-CG-C. GRCh37 (hg19) VCF-style: chr17-18022999-CG-C.
Other names: short protein forms G296fs.
Identifiers: ClinVar variation 2837859 (VCV002837859.3), dbSNP rs2545177176, ClinGen allele CA2739267198.

ClinVar aggregate classification (germline): Pathogenic (1 of 4 stars; one submission).

Submission:

Labcorp Genetics (formerly Invitae), Labcorp
Classification: Pathogenic. Last evaluated: 2023-10-08. Review status: criteria provided, single submitter. Criteria: Invitae Variant Classification Sherloc (09022015). Collection method: clinical testing. Allele origin: germline.
Comment: This sequence change creates a premature translational stop signal (p.Gly296Valfs*148) in the MYO15A gene. It is expected to result in an absent or disrupted protein product. Loss-of-function variants in MYO15A are known to be pathogenic (PMID: 17546645). This variant is not present in population databases (gnomAD no frequency). This variant has not been reported in the literature in individuals affected with MYO15A-related conditions. For these reasons, this variant has been classified as Pathogenic.

Literature cited by the submitters: PubMed 17546645.